The following is an entry in ClinVar:

NM_004830.4(MED23):c.3312T>C (p.Ala1104=)

Gene: MED23 (mediator complex subunit 23; minus strand). Cytogenetic location: 6q23.2.
Variant type: single nucleotide variant.
Coding change: c.3312T>C on transcript NM_004830.4 (MANE Select); coding-DNA position 3312, T replaced by C.
Protein change: p.Ala1104=; no amino-acid change (alanine 1104 retained).
Molecular consequence: synonymous variant.
Genome position (GRCh38, 1-based): chr6:131,593,092, A>G on the plus strand (T>C on the coding strand, the complement: MED23 is on the minus strand). VCF-style: chr6-131593092-A-G. GRCh37 (hg19) VCF-style: chr6-131914232-A-G.
Other names: c.3312T>C, p.Ala1104= (NM_001270521.2, NM_001270522.2); c.3330T>C, p.Ala1110= (NM_015979.4).
Identifiers: ClinVar variation 129607 (VCV000129607.10), dbSNP rs77187818, ClinGen allele CA153691.

ClinVar aggregate classification (germline): Benign. Review status: criteria provided, single submitter (1 of 4 stars). 2 submissions from 2 submitters: Benign (1). 1 of the submissions does not count toward it. Last evaluated 2016-05-03.

Conditions:
Inborn genetic diseases. Identifiers: MedGen C0950123, MeSH D030342.

Allele frequency attached by ClinVar (database versions not stated): 1000 Genomes Project 0.00998; 1000 Genomes Project 30x 0.01077; gnomAD exomes 0.02312 and 0.03263; TOPMed 0.02313; gnomAD 0.02332 and 0.02396; ExAC 0.02341; ESP Exome Variant Server 0.02614.
gnomAD v4.1: 50,970 of 1,614,178 alleles (3.2%); highest among the groups gnomAD compares: Non-Finnish European, 3.8%; 945 homozygotes.

Submissions (2):

Ambry Genetics
Classification: Benign for Inborn genetic diseases. Last evaluated: 2016-05-03. Review status: criteria provided, single submitter. Criteria: Ambry Variant Classification Scheme 2023. Collection method: clinical testing. Allele origin: germline.

Genetic Services Laboratory, University of Chicago
Classification: Likely benign for AllHighlyPenetrant. Review status: no assertion criteria provided. Collection method: clinical testing. Allele origin: germline. Inheritance: Autosomal recessive inheritance. Not counted in ClinVar's aggregate classification.
Comment: Likely benign based on allele frequency in 1000 Genomes Project or ESP global frequency and its presence in a patient with a rare or unrelated disease phenotype. NOT Sanger confirmed.